The following is an entry in ClinVar:

ClinVar aggregate classification (germline): Uncertain significance (1 of 4 stars; one submission).

Conditions:
Hereditary cancer-predisposing syndrome. Also called: Hereditary Cancer Syndrome; Neoplastic Syndromes, Hereditary; Tumor predisposition; Hereditary neoplastic syndrome. Identifiers: Orphanet 140162, MedGen C0027672, MeSH D009386, MONDO:0015356.

Submission:

Ambry Genetics
Classification: Uncertain significance for Hereditary cancer-predisposing syndrome. Last evaluated: 2026-09-09. Review status: criteria provided, single submitter. Criteria: Ambry Variant Classification Scheme 2023. Collection method: clinical testing. Allele origin: germline.
Comment: The p.H850D variant (also known as c.2548C>G), located in coding exon 21 of the EGFR gene, results from a C to G substitution at nucleotide position 2548. The histidine at codon 850 is replaced by aspartic acid, an amino acid with similar properties. This amino acid position is highly conserved in available vertebrate species. In addition, this alteration is predicted to be deleterious by in silico analysis. Based on the available evidence, the clinical significance of this variant remains unclear.

NM_005228.5(EGFR):c.2548C>G (p.His850Asp)

Gene: EGFR (epidermal growth factor receptor; plus strand). Cytogenetic location: 7p11.2.
Variant type: single nucleotide variant.
Coding change: c.2548C>G on transcript NM_005228.5 (MANE Select); coding-DNA position 2548, C replaced by G.
Protein change: p.His850Asp; replaces histidine 850 with aspartic acid.
Molecular consequence: missense variant.
Genome position (GRCh38, 1-based): chr7:55,191,797, C>G. VCF-style: chr7-55191797-C-G. GRCh37 (hg19) VCF-style: chr7-55259490-C-G.
Other names: c.2413C>G, p.His805Asp (NM_001346897.2, NM_001346899.2); c.2548C>G, p.His850Asp (NM_001346898.2); c.2389C>G, p.His797Asp (NM_001346900.2); c.1747C>G, p.His583Asp (NM_001346941.2); short protein forms H797D, H583D, H805D, H850D.
Identifiers: ClinVar variation 5035843 (VCV005035843.1).